The following is an entry in ClinVar:

NM_152384.3(BBS5):c.917G>T (p.Gly306Val)

Gene: BBS5 (Bardet-Biedl syndrome 5; plus strand). Cytogenetic location: 2q31.1.
Variant type: single nucleotide variant.
Coding change: c.917G>T on transcript NM_152384.3 (MANE Select); coding-DNA position 917, G replaced by T.
Protein change: p.Gly306Val; replaces glycine 306 with valine.
Molecular consequence: missense variant.
Genome position (GRCh38, 1-based): chr2:169,504,319, G>T. VCF-style: chr2-169504319-G-T. GRCh37 (hg19) VCF-style: chr2-170360829-G-T.
Other names: short protein forms G306V.
Identifiers: ClinVar variation 3357630 (VCV003357630.1).

ClinVar aggregate classification (germline): Uncertain significance (0 of 4 stars; one submission).

Conditions:
BBS5-related disorder. Also called: BBS5-related condition.

gnomAD v4.1: 4 of 1,612,780 alleles (0.00025%); highest among the groups gnomAD compares: Non-Finnish European, 0.00034%; no homozygotes.

Submission:

PreventionGenetics, part of Exact Sciences
Classification: Uncertain significance for BBS5-related condition. Last evaluated: 2024-02-27. Review status: no assertion criteria provided. Collection method: clinical testing. Allele origin: germline.
Comment: The BBS5 c.917G>T variant is predicted to result in the amino acid substitution p.Gly306Val. To our knowledge, this variant has not been reported in the literature or in a large population database, indicating this variant is rare. At this time, the clinical significance of this variant is uncertain due to the absence of conclusive functional and genetic evidence.